The following is an entry in ClinVar:

ClinVar aggregate classification (germline): Pathogenic. Review status: criteria provided, multiple submitters, no conflicts (2 of 4 stars). 2 submissions from 2 submitters: Pathogenic (2). Last evaluated 2025-05-27.

Conditions:
Hereditary cancer-predisposing syndrome. Also called: Neoplastic Syndromes, Hereditary; Tumor predisposition; Hereditary Cancer Syndrome; Hereditary neoplastic syndrome. Identifiers: Orphanet 140162, MedGen C0027672, MeSH D009386, MONDO:0015356.
Familial adenomatous polyposis 2. Also called: Adenomas, multiple colorectal; MUTYH Polyposis; COLORECTAL ADENOMATOUS POLYPOSIS, AUTOSOMAL RECESSIVE; ADENOMAS, MULTIPLE COLORECTAL, AUTOSOMAL RECESSIVE; MUTYH-associated polyposis; MUTYH-related attenuated familial adenomatous polyposis. Identifiers: Orphanet 220460, Orphanet 247798, MedGen C3272841, MONDO:0012041, OMIM 608456.

Submissions (2):

Labcorp Genetics (formerly Invitae), Labcorp
Classification: Pathogenic for Familial adenomatous polyposis 2. Last evaluated: 2025-05-27. Review status: criteria provided, single submitter. Criteria: Invitae Variant Classification Sherloc (09022015). Collection method: clinical testing. Allele origin: germline.
Comment: This sequence change creates a premature translational stop signal (p.Tyr453*) in the MUTYH gene. It is expected to result in an absent or disrupted protein product. Loss-of-function variants in MUTYH are known to be pathogenic (PMID: 18534194, 20663686). This variant is not present in population databases (gnomAD no frequency). This variant has not been reported in the literature in individuals affected with MUTYH-related conditions. ClinVar contains an entry for this variant (Variation ID: 947743). Algorithms developed to predict the effect of sequence changes on RNA splicing suggest that this variant may disrupt the consensus splice site. For these reasons, this variant has been classified as Pathogenic.

Ambry Genetics
Classification: Pathogenic for Hereditary cancer-predisposing syndrome. Last evaluated: 2025-01-06. Review status: criteria provided, single submitter. Criteria: Ambry Variant Classification Scheme 2023. Collection method: clinical testing. Allele origin: germline.
Comment: The p.Y453* pathogenic mutation (also known as c.1359T>G), located in coding exon 14 of the MUTYH gene, results from a T to G substitution at nucleotide position 1359. This changes the amino acid from a tyrosine to a stop codon within coding exon 14. This variant is considered to be rare based on population cohorts in the Genome Aggregation Database (gnomAD). This alteration is expected to result in loss of function by premature protein truncation or nonsense-mediated mRNA decay. As such, this alteration is interpreted as a disease-causing mutation.

Literature cited by the submitters: PubMed 18534194 (cited by Labcorp Genetics (formerly Invitae), Labcorp); PubMed 20663686 (cited by Labcorp Genetics (formerly Invitae), Labcorp).

NM_001048174.2(MUTYH):c.1275T>G (p.Tyr425Ter)

Gene: MUTYH (mutY DNA glycosylase; minus strand). Cytogenetic location: 1p34.1.
Variant type: single nucleotide variant.
Coding change: c.1275T>G on transcript NM_001048174.2 (MANE Select); coding-DNA position 1275, T replaced by G.
Protein change: p.Tyr425Ter; replaces tyrosine 425 with a stop codon.
Molecular consequence: nonsense. On other transcripts: non-coding transcript variant (2).
Genome position (GRCh38, 1-based): chr1:45,331,299, A>C on the plus strand (T>G on the coding strand, the complement: MUTYH is on the minus strand). VCF-style: chr1-45331299-A-C. GRCh37 (hg19) VCF-style: chr1-45796971-A-C.
Other names: c.1275T>G, p.Tyr425Ter (NM_001048171.2, NM_001048173.2, NM_001293195.2); c.1278T>G, p.Tyr426Ter (NM_001048172.2); c.1359T>G, p.Tyr453Ter (NM_001128425.2); c.1320T>G, p.Tyr440Ter (NM_001293190.2); c.1308T>G, p.Tyr436Ter (NM_001293191.2); c.999T>G, p.Tyr333Ter (NM_001293192.2, NM_001293196.2); c.930T>G, p.Tyr310Ter (NM_001350650.2, NM_001350651.2); c.1350T>G, p.Tyr450Ter (NM_012222.3); short protein forms Y310*, Y426*, Y440*, Y453*, Y450*, Y333*, Y425*, Y436*.
Identifiers: ClinVar variation 947743 (VCV000947743.8), dbSNP rs774968843, ClinGen allele CA340132735.